The following is an entry in ClinVar:

NM_001375567.1(FOCAD):c.188G>C (p.Arg63Pro)

Gene: FOCAD (focadhesin; plus strand). Cytogenetic location: 9p21.3.
Variant type: single nucleotide variant.
Coding change: c.188G>C on transcript NM_001375567.1 (MANE Select); coding-DNA position 188, G replaced by C.
Protein change: p.Arg63Pro; replaces arginine 63 with proline.
Molecular consequence: missense variant.
Genome position (GRCh38, 1-based): chr9:20,720,435, G>C. VCF-style: chr9-20720435-G-C. GRCh37 (hg19) VCF-style: chr9-20720434-G-C.
Other names: c.188G>C, p.Arg63Pro (NM_001375568.1, NM_001375570.1, NM_017794.5); short protein forms R63P.
Identifiers: ClinVar variation 4719456 (VCV004719456.1).
Genomic context (GRCh38, chr9:20,720,435, plus strand): 5'-TTCAGACTCCTGCTTTGAACTTGCTGTGGGAGAAGTGTTGCAGTGACAATGTAGTGGTTC[G>C]AACAGCCTGCTGTGAAGGTCTGGTGGCACTCGTTGCTCAGGATCATGCAGAGTTCAGCTA-3'
Protein context (NP_001362496.1, residues 53-73): EKCCSDNVVV[Arg63Pro]TACCEGLVAL

ClinVar aggregate classification (germline): Uncertain significance (1 of 4 stars; one submission).

gnomAD v4.1: 7 of 1,614,042 alleles (0.00043%); highest among the groups gnomAD compares: Non-Finnish European, 0.00051%; no homozygotes.

Submission:

Labcorp Genetics (formerly Invitae), Labcorp
Classification: Uncertain significance. Last evaluated: 2025-05-13. Review status: criteria provided, single submitter. Criteria: Invitae Variant Classification Sherloc (09022015). Collection method: clinical testing. Allele origin: germline.
Comment: This sequence change replaces arginine, which is basic and polar, with proline, which is neutral and non-polar, at codon 63 of the FOCAD protein (p.Arg63Pro). This variant is present in population databases (rs143009945, gnomAD 0.01%). This variant has not been reported in the literature in individuals affected with FOCAD-related conditions. Experimental studies and prediction algorithms are not available or were not evaluated, and the functional significance of this variant is currently unknown. In summary, the available evidence is currently insufficient to determine the role of this variant in disease. Therefore, it has been classified as a Variant of Uncertain Significance.